The following is an entry in ClinVar:

NM_001129.5(AEBP1):c.3285C>A (p.Thr1095=)

Gene: AEBP1 (AE binding protein 1; plus strand). Cytogenetic location: 7p13.
Variant type: single nucleotide variant.
Coding change: c.3285C>A on transcript NM_001129.5 (MANE Select); coding-DNA position 3285, C replaced by A.
Protein change: p.Thr1095=; no amino-acid change (threonine 1095 retained).
Molecular consequence: synonymous variant.
Genome position (GRCh38, 1-based): chr7:44,114,069, C>A. VCF-style: chr7-44114069-C-A. GRCh37 (hg19) VCF-style: chr7-44153668-C-A.
Identifiers: ClinVar variation 4687728 (VCV004687728.1).

ClinVar aggregate classification (germline): Likely benign (1 of 4 stars; one submission).

gnomAD v4.1: 1 of 1,614,018 alleles (0.000062%); highest among the groups gnomAD compares: Non-Finnish European, 0.000085%; no homozygotes.

Submission:

Women's Health and Genetics/Laboratory Corporation of America, LabCorp
Classification: Likely benign. Last evaluated: 2025-10-27. Review status: criteria provided, single submitter. Criteria: LabCorp Variant Classification Summary - May 2015. Collection method: clinical testing. Allele origin: germline.
Comment: Variant summary: AEBP1 c.3285C>A alters a conserved nucleotide resulting in a synonymous change. Consensus agreement among computation tools predict no significant impact on normal splicing. However, these predictions have yet to be confirmed by functional studies. The variant was absent in 251164 control chromosomes. The available data on variant occurrences in the general population are insufficient to allow any conclusion about variant significance. To our knowledge, no occurrence of c.3285C>A in individuals affected with AEBP1-related conditions and no experimental evidence demonstrating its impact on protein function have been reported. No submitters have cited clinical-significance assessments for this variant to ClinVar. Based on the evidence outlined above, the variant was classified as likely benign.